The following is an entry in ClinVar:

NM_030773.4(TUBB1):c.1133T>C (p.Phe378Ser)

Gene: TUBB1 (tubulin beta 1 class VI; plus strand). Cytogenetic location: 20q13.32.
Variant type: single nucleotide variant.
Coding change: c.1133T>C on transcript NM_030773.4 (MANE Select); coding-DNA position 1133, T replaced by C.
Protein change: p.Phe378Ser; replaces phenylalanine 378 with serine.
Molecular consequence: missense variant.
Genome position (GRCh38, 1-based): chr20:59,024,560, T>C. VCF-style: chr20-59024560-T-C. GRCh37 (hg19) VCF-style: chr20-57599615-T-C.
Other names: short protein forms F378S.
Identifiers: ClinVar variation 4743222 (VCV004743222.1).
Genomic context (GRCh38, chr20:59,024,560, plus strand): 5'-CCCGGGGGCTGAGCATGGCCGCCACCTTCATTGGCAACAACACGGCCATCCAAGAGATCT[T>C]TAATAGGGTCTCTGAGCATTTCTCAGCCATGTTCAAAAGGAAAGCTTTTGTGCACTGGTA-3'
Protein context (NP_110400.1, residues 368-388): IGNNTAIQEI[Phe378Ser]NRVSEHFSAM

ClinVar aggregate classification (germline): Uncertain significance (1 of 4 stars; one submission).

Submission:

Labcorp Genetics (formerly Invitae), Labcorp
Classification: Uncertain significance. Last evaluated: 2025-04-09. Review status: criteria provided, single submitter. Criteria: Invitae Variant Classification Sherloc (09022015). Collection method: clinical testing. Allele origin: germline.
Comment: This sequence change replaces phenylalanine, which is neutral and non-polar, with serine, which is neutral and polar, at codon 378 of the TUBB1 protein (p.Phe378Ser). This variant is not present in population databases (gnomAD no frequency). This variant has not been reported in the literature in individuals affected with TUBB1-related conditions. Invitae Evidence Modeling of protein sequence and biophysical properties (such as structural, functional, and spatial information, amino acid conservation, physicochemical variation, residue mobility, and thermodynamic stability) indicates that this missense variant is expected to disrupt TUBB1 protein function with a positive predictive value of 80%. In summary, the available evidence is currently insufficient to determine the role of this variant in disease. Therefore, it has been classified as a Variant of Uncertain Significance.